The following is an entry in ClinVar:

NM_000836.4(GRIN2D):c.2356A>G (p.Thr786Ala)

Gene: GRIN2D (glutamate ionotropic receptor NMDA type subunit 2D; plus strand). Cytogenetic location: 19q13.33.
Variant type: single nucleotide variant.
Coding change: c.2356A>G on transcript NM_000836.4 (MANE Select); coding-DNA position 2356, A replaced by G.
Protein change: p.Thr786Ala; replaces threonine 786 with alanine.
Molecular consequence: missense variant.
Genome position (GRCh38, 1-based): chr19:48,441,872, A>G. VCF-style: chr19-48441872-A-G. GRCh37 (hg19) VCF-style: chr19-48945129-A-G.
Other names: short protein forms T786A.
Identifiers: ClinVar variation 1029953 (VCV001029953.1), dbSNP rs1971296612, ClinGen allele CA406669802.

ClinVar aggregate classification (germline): Uncertain significance (1 of 4 stars; one submission).

Conditions:
Developmental and epileptic encephalopathy, 46 (DEE46). Also called: Epileptic encephalopathy, early infantile, 46; GRIN2D-Related Developmental and Epileptic Encephalopathy. Identifiers: MedGen C4310687, MONDO:0014947, OMIM 617162.

Submission:

Baylor Genetics
Classification: Uncertain significance for Developmental and epileptic encephalopathy, 46. Last evaluated: 2019-10-29. Review status: criteria provided, single submitter. Criteria: ACMG Guidelines, 2015. Collection method: clinical testing. Allele origin: unknown. Affected: yes.
Comment: This variant was determined to be of uncertain significance according to ACMG Guidelines, 2015 [PMID:25741868].